The following is an entry in ClinVar:

ClinVar aggregate classification (germline): Conflicting classifications of pathogenicity. Review status: criteria provided, conflicting classifications (1 of 4 stars). 3 submissions from 3 submitters: Likely pathogenic (1); Uncertain significance (2). Last evaluated 2026-07-01.

Conditions:
Glycogen storage disease, type II (IOPD). Also called: CARDIOMEGALIA GLYCOGENICA DIFFUSA; Glycogen storage disease type 2; Acid maltase deficiency disease; Aglucosidase alfa; Deficiency of alpha-glucosidase; Deficiency of lysosomal alpha-glucosidase. Identifiers: Orphanet 365, MedGen C0017921, MONDO:0009290, OMIM 232300.

gnomAD v4.1: 1 of 1,614,098 alleles (0.000062%); highest among the groups gnomAD compares: Non-Finnish European, 0.000085%; no homozygotes.

Submissions (3):

Genomenon, Inc
Classification: Uncertain significance for Glycogen storage disease, type II. Last evaluated: 2026-07-01. Review status: criteria provided, single submitter. Criteria: Genomenon Sequence Variant Interpretation Standards - Updated. Collection method: curation. Allele origin: germline.
Comment: GAA p.His568Gln (c.1704C>G) is a missense variant that changes the amino acid at codon 568 from Histidine to Glutamine. This variant has been reported in the compound heterozygous and/or homozygous state in an individual without a confirmed diagnosis of Pompe disease (PMID:34530085;25998610;22980766). It is absent or not present at a significant frequency in gnomAD. In silico models predict that this variant is possibly or probably damaging. In conclusion, we classify GAA p.His568Gln (c.1704C>G) as a variant of uncertain significance.

Labcorp Genetics (formerly Invitae), Labcorp
Classification: Likely pathogenic for Glycogen storage disease, type II. Last evaluated: 2025-11-27. Review status: criteria provided, single submitter. Criteria: Invitae Variant Classification Sherloc (09022015). Collection method: clinical testing. Allele origin: germline.
Comment: This sequence change replaces histidine, which is basic and polar, with glutamine, which is neutral and polar, at codon 568 of the GAA protein (p.His568Gln). This variant is present in population databases (no rsID available, gnomAD 0.0009%). This missense change has been observed in individual(s) with Pompe disease (PMID: 25998610). ClinVar contains an entry for this variant (Variation ID: 972745). Invitae Evidence Modeling of protein sequence and biophysical properties (such as structural, functional, and spatial information, amino acid conservation, physicochemical variation, residue mobility, and thermodynamic stability) indicates that this missense variant is expected to disrupt GAA protein function with a positive predictive value of 95%. Algorithms developed to predict the effect of sequence changes on RNA splicing suggest that this variant may disrupt the consensus splice site. This variant disrupts the p.His568 amino acid residue in GAA. Other variant(s) that disrupt this residue have been determined to be pathogenic (PMID: 15986226, 32711049). This suggests that this residue is clinically significant, and that variants that disrupt this residue are likely to be disease-causing. In summary, the currently available evidence indicates that the variant is pathogenic, but additional data are needed to prove that conclusively. Therefore, this variant has been classified as Likely Pathogenic.

Broad Center for Mendelian Genomics, Broad Institute of MIT and Harvard
Classification: Uncertain significance for Glycogen storage disease, type II. Last evaluated: 2020-01-22. Review status: criteria provided, single submitter. Criteria: ACMG Guidelines, 2015. Collection method: curation. Allele origin: germline. Inheritance: Autosomal recessive inheritance.
Comment: The p.His568Gln variant in GAA has been reported in at least one individual with glycogen storage disease II (PMID: 25998610, 22980766) and has been identified in 0.001% (1/113694) of European (non-Finnish) chromosomes by the by the Genome Aggregation Database (gnomAD; dbSNP rs776882059). Although this variant has been seen in the general population, its frequency is low enough to be consistent with a recessive carrier frequency. Computational prediction tools and conservation analyses suggest that this variant may impact the protein, though this information is not predictive enough to determine pathogenicity. Additionally, this variant has been reported in combination with reported pathogenic variant p.Leu552Pro (VariationID: 279811; PMID: 25998610, 22980766) and in an individual with glycogen storage disease II. In summary, while there is some suspicion for a pathogenic role, the clinical significance of this variant is uncertain. ACMG/AMP Criteria applied: PM2, PP3 (Richards 2015).

Literature cited by the submitters: PubMed 34530085 (cited by Genomenon, Inc); PubMed 25998610 (cited by Genomenon, Inc and Labcorp Genetics (formerly Invitae), Labcorp); PubMed 22980766 (cited by Genomenon, Inc); PubMed 15986226 (cited by Labcorp Genetics (formerly Invitae), Labcorp); PubMed 32711049 (cited by Labcorp Genetics (formerly Invitae), Labcorp).

NM_000152.5(GAA):c.1704C>G (p.His568Gln)

Gene: GAA (alpha glucosidase; plus strand). Cytogenetic location: 17q25.3.
Variant type: single nucleotide variant.
Coding change: c.1704C>G on transcript NM_000152.5 (MANE Select); coding-DNA position 1704, C replaced by G.
Protein change: p.His568Gln; replaces histidine 568 with glutamine.
Molecular consequence: missense variant.
Genome position (GRCh38, 1-based): chr17:80,112,050, C>G. VCF-style: chr17-80112050-C-G. GRCh37 (hg19) VCF-style: chr17-78085849-C-G.
Other names: c.1704C>G, p.His568Gln (NM_001079803.3, NM_001079804.3); short protein forms H568Q.
Identifiers: ClinVar variation 972745 (VCV000972745.4), dbSNP rs776882059, ClinGen allele CA401369029.